The following is an entry in ClinVar:

NC_000001.11:g.(?_100214807)_(100230924_?)del

Gene: DBT (dihydrolipoamide branched chain transacylase E2; minus strand). Cytogenetic location: 1p21.2.
Variant type: Deletion.
Identifiers: ClinVar variation 831148 (VCV000831148.6).

ClinVar aggregate classification (germline): Pathogenic (1 of 4 stars; one submission).

Conditions:
Maple syrup urine disease (MSUD). Identifiers: Orphanet 511, MedGen C0024776, MeSH D008375, MONDO:0009563. Disease mechanism: loss of function.

Submission:

Labcorp Genetics (formerly Invitae), Labcorp
Classification: Pathogenic for Maple syrup urine disease. Last evaluated: 2022-02-01. Review status: criteria provided, single submitter. Criteria: Invitae Variant Classification Sherloc (09022015). Collection method: clinical testing. Allele origin: germline.
Comment: For these reasons, this variant has been classified as Pathogenic. This variant has not been reported in the literature in individuals affected with DBT-related conditions. This variant is a gross deletion of the genomic region encompassing exon(s) 4-7 of the DBT gene. This deletion is out-of-frame, and is expected to create a premature termination codon and result in an absent or disrupted protein product. Loss-of-function variants in DBT are known to be pathogenic (PMID: 16579849, 16786533).

Literature cited by the submitters: PubMed 16579849; PubMed 16786533.